The following is an entry in ClinVar:

NM_001244926.2(PRPF4):c.143G>C (p.Gly48Ala)

Gene: PRPF4 (pre-mRNA splicing tri-snRNP complex factor PRPF4; plus strand). Cytogenetic location: 9q32.
Variant type: single nucleotide variant.
Coding change: c.143G>C on transcript NM_001244926.2 (MANE Select); coding-DNA position 143, G replaced by C.
Protein change: p.Gly48Ala; replaces glycine 48 with alanine.
Molecular consequence: missense variant. On other transcripts: 5 prime UTR variant (2), non-coding transcript variant (2).
Genome position (GRCh38, 1-based): chr9:113,276,663, G>C. VCF-style: chr9-113276663-G-C. GRCh37 (hg19) VCF-style: chr9-116038943-G-C.
Other names: c.-623G>C (NM_001322266.2, NM_001322267.2); c.146G>C, p.Gly49Ala (NM_004697.5); c.146G>C (NM_004697.4); short protein forms G49A, G48A.
Identifiers: ClinVar variation 2997197 (VCV002997197.4), dbSNP rs973057960, ClinGen allele CA198540810.

ClinVar aggregate classification (germline): Uncertain significance. Review status: criteria provided, multiple submitters, no conflicts (2 of 4 stars). 2 submissions from 2 submitters: Uncertain significance (2). Last evaluated 2025-01-21.

Submissions (2):

Ambry Genetics
Classification: Uncertain significance. Last evaluated: 2025-01-21. Review status: criteria provided, single submitter. Criteria: Ambry Variant Classification Scheme 2023. Collection method: clinical testing. Allele origin: germline.

Labcorp Genetics (formerly Invitae), Labcorp
Classification: Uncertain significance. Last evaluated: 2024-01-15. Review status: criteria provided, single submitter. Criteria: Invitae Variant Classification Sherloc (09022015). Collection method: clinical testing. Allele origin: germline.
Comment: This sequence change replaces glycine, which is neutral and non-polar, with alanine, which is neutral and non-polar, at codon 49 of the PRPF4 protein (p.Gly49Ala). This variant is not present in population databases (gnomAD no frequency). This variant has not been reported in the literature in individuals affected with PRPF4-related conditions. An algorithm developed to predict the effect of missense changes on protein structure and function (PolyPhen-2) suggests that this variant is likely to be tolerated. In summary, the available evidence is currently insufficient to determine the role of this variant in disease. Therefore, it has been classified as a Variant of Uncertain Significance.